The following is an entry in ClinVar:

NM_001065.4(TNFRSF1A):c.1268G>C (p.Arg423Pro)

Gene: TNFRSF1A (TNF receptor superfamily member 1A; minus strand). Cytogenetic location: 12p13.31.
Variant type: single nucleotide variant.
Coding change: c.1268G>C on transcript NM_001065.4 (MANE Select); coding-DNA position 1268, G replaced by C.
Protein change: p.Arg423Pro; replaces arginine 423 with proline.
Molecular consequence: missense variant. On other transcripts: non-coding transcript variant (1).
Genome position (GRCh38, 1-based): chr12:6,329,412, C>G on the plus strand (G>C on the coding strand, the complement: TNFRSF1A is on the minus strand). VCF-style: chr12-6329412-C-G. GRCh37 (hg19) VCF-style: chr12-6438578-C-G.
Other names: c.944G>C, p.Arg315Pro (NM_001346091.2); c.809G>C, p.Arg270Pro (NM_001346092.2); short protein forms R270P, R315P, R423P.
Identifiers: ClinVar variation 4801147 (VCV004801147.1).

ClinVar aggregate classification (germline): Uncertain significance (1 of 4 stars; one submission).

Conditions:
TNF receptor-associated periodic fever syndrome (TRAPS) (FPF). Also called: FAMILIAL HIBERNIAN FEVER; TNF RECEPTOR-ASSOCIATED PERIODIC SYNDROME; TUMOR NECROSIS FACTOR RECEPTOR-ASSOCIATED PERIODIC SYNDROME; Autosomal Dominant Familial Periodic Fever; TNF Receptor-Associated Periodic Fever Syndrome; TNF receptor 1-associated periodic fever syndrome. Identifiers: Orphanet 32960, MedGen C1275126, MONDO:0007727, OMIM 142680.

Submission:

Labcorp Genetics (formerly Invitae), Labcorp
Classification: Uncertain significance for TNF receptor-associated periodic fever syndrome (TRAPS). Last evaluated: 2025-05-05. Review status: criteria provided, single submitter. Criteria: Invitae Variant Classification Sherloc (09022015). Collection method: clinical testing. Allele origin: germline.
Comment: This sequence change replaces arginine, which is basic and polar, with proline, which is neutral and non-polar, at codon 423 of the TNFRSF1A protein (p.Arg423Pro). This variant is not present in population databases (gnomAD no frequency). This variant has not been reported in the literature in individuals affected with TNFRSF1A-related conditions. Invitae Evidence Modeling of protein sequence and biophysical properties (such as structural, functional, and spatial information, amino acid conservation, physicochemical variation, residue mobility, and thermodynamic stability) has been performed for this missense variant. However, the output from this modeling did not meet the statistical confidence thresholds required to predict the impact of this variant on TNFRSF1A protein function. In summary, the available evidence is currently insufficient to determine the role of this variant in disease. Therefore, it has been classified as a Variant of Uncertain Significance.